The following is an entry in ClinVar:

NM_004006.3(DMD):c.4147C>T (p.Gln1383Ter)

Gene: DMD (dystrophin; minus strand). Cytogenetic location: Xp21.1.
Variant type: single nucleotide variant.
Coding change: c.4147C>T on transcript NM_004006.3 (MANE Select); coding-DNA position 4147, C replaced by T.
Protein change: p.Gln1383Ter; replaces glutamine 1383 with a stop codon.
Molecular consequence: nonsense.
Genome position (GRCh38, 1-based): chrX:32,411,838, G>A on the plus strand (C>T on the coding strand, the complement: DMD is on the minus strand). VCF-style: chrX-32411838-G-A. GRCh37 (hg19) VCF-style: chrX-32429955-G-A.
Other names: c.4123C>T, p.Gln1375Ter (NM_000109.4); c.4135C>T, p.Gln1379Ter (NM_004009.3); c.3778C>T, p.Gln1260Ter (NM_004010.3); c.124C>T, p.Gln42Ter (NM_004011.4); c.115C>T, p.Gln39Ter (NM_004012.4); short protein forms Q1260*, Q1375*, Q1379*, Q1383*, Q39*, Q42*.
Identifiers: ClinVar variation 1075943 (VCV001075943.10), dbSNP rs2147935442, ClinGen allele CA412666421.
Genomic context (GRCh38, chrX:32,411,838, plus strand): 5'-CGTCCACCTTGTCTGCAATATAAGCTGCCAACTGCTTGTCAATGAATGTGAGGGACTCCT[G>A]GATTAAGTGTAAGGATTTTTCAGTCTCCTGGGCAGACTGGATGCTCTGTTCAAGCAACTT-3'

ClinVar aggregate classification (germline): Pathogenic (1 of 4 stars; one submission).

Conditions:
Duchenne muscular dystrophy (DMD). Also called: MUSCULAR DYSTROPHY, PSEUDOHYPERTROPHIC PROGRESSIVE, DUCHENNE TYPE; Duchenne Muscular Dystrophy (DMD). Identifiers: Orphanet 98896, MedGen C0013264, MONDO:0010679, OMIM 310200.

Submission:

Labcorp Genetics (formerly Invitae), Labcorp
Classification: Pathogenic for Duchenne muscular dystrophy. Last evaluated: 2023-08-10. Review status: criteria provided, single submitter. Criteria: Invitae Variant Classification Sherloc (09022015). Collection method: clinical testing. Allele origin: germline.
Comment: This sequence change creates a premature translational stop signal (p.Gln1383*) in the DMD gene. It is expected to result in an absent or disrupted protein product. Loss-of-function variants in DMD are known to be pathogenic (PMID: 16770791, 25007885). This variant is not present in population databases (gnomAD no frequency). This premature translational stop signal has been observed in individual(s) with Duchenne muscular dystrophy (PMID: 19084397). ClinVar contains an entry for this variant (Variation ID: 1075943). For these reasons, this variant has been classified as Pathogenic.

Literature cited by the submitters: PubMed 16770791; PubMed 25007885; PubMed 19084397.